The following is an entry in ClinVar:

NM_001394998.1(TANC2):c.5483C>G (p.Ser1828Cys)

Gene: TANC2 (tetratricopeptide repeat, ankyrin repeat and coiled-coil containing 2; plus strand). Cytogenetic location: 17q23.3.
Variant type: single nucleotide variant.
Coding change: c.5483C>G on transcript NM_001394998.1 (MANE Select); coding-DNA position 5483, C replaced by G.
Protein change: p.Ser1828Cys; replaces serine 1828 with cysteine.
Molecular consequence: missense variant.
Genome position (GRCh38, 1-based): chr17:63,421,213, C>G. VCF-style: chr17-63421213-C-G. GRCh37 (hg19) VCF-style: chr17-61498574-C-G.
Other names: c.5261C>G, p.Ser1754Cys (NM_001411076.1); c.5231C>G, p.Ser1744Cys (NM_025185.4); short protein forms S1744C, S1754C, S1828C.
Identifiers: ClinVar variation 2628576 (VCV002628576.1), dbSNP rs767537932, ClinGen allele CA400546132.
Genomic context (GRCh38, chr17:63,421,213, plus strand): 5'-CCTATTACCCAGTCTGTCACTCAAAACTAGATCTGGAGCGCTCCTCCAGCCAACTAGGTT[C>G]CCCTGATGTGTCGCATTTAATCAGAAGACCTATCAGTGTCAACCCTAACGAAATCAAACC-3'
Protein context (NP_001381927.1, residues 1818-1838): DLERSSSQLG[Ser1828Cys]PDVSHLIRRP

ClinVar aggregate classification (germline): Uncertain significance (1 of 4 stars; one submission).

Conditions:
TANC2-related disorder. Also called: TANC2-related condition.

gnomAD v4.1: 15 of 1,614,050 alleles (0.00093%); highest among the groups gnomAD compares: Non-Finnish European, 0.0013%; no homozygotes.

Submission:

PreventionGenetics, part of Exact Sciences
Classification: Uncertain significance for TANC2-related condition. Last evaluated: 2023-05-15. Review status: criteria provided, single submitter. Criteria: ACMG Guidelines, 2015. Collection method: clinical testing. Allele origin: germline.
Comment: The TANC2 c.5231C>G variant is predicted to result in the amino acid substitution p.Ser1744Cys. To our knowledge, this variant has not been reported in the literature or in a large population database, indicating this variant is rare. At this time, the clinical significance of this variant is uncertain due to the absence of conclusive functional and genetic evidence.